The following is an entry in ClinVar:

NM_000038.6(APC):c.1330C>G (p.His444Asp)

Gene: APC (APC regulator of Wnt signaling pathway; plus strand). Cytogenetic location: 5q22.2.
Variant type: single nucleotide variant.
Coding change: c.1330C>G on transcript NM_000038.6 (MANE Select); coding-DNA position 1330, C replaced by G.
Protein change: p.His444Asp; replaces histidine 444 with aspartic acid.
Molecular consequence: missense variant. On other transcripts: non-coding transcript variant (2).
Genome position (GRCh38, 1-based): chr5:112,821,913, C>G. VCF-style: chr5-112821913-C-G. GRCh37 (hg19) VCF-style: chr5-112157610-C-G.
Other names: c.1330C>G, p.His444Asp (NM_001127510.3, NM_001354895.2, NM_001354896.2 and 4 more transcripts); c.1276C>G, p.His426Asp (NM_001127511.3); c.1360C>G, p.His454Asp (NM_001354897.2, NM_001407446.1); c.1255C>G, p.His419Asp (NM_001354898.2, NM_001407451.1); c.1246C>G, p.His416Asp (NM_001354899.2, NM_001407452.1); c.1153C>G, p.His385Asp (NM_001354900.2, NM_001354901.2, NM_001407453.1); c.1057C>G, p.His353Asp (NM_001354902.2); c.1027C>G, p.His343Asp (NM_001354903.2, NM_001407454.1, NM_001407455.1 and 5 more transcripts); and 5 more; short protein forms H315D, H318D, H416D, H419D, H426D, H284D, H60D, H343D.
Identifiers: ClinVar variation 3411795 (VCV003411795.1).
Genomic context (GRCh38, chr5:112,821,913, plus strand): 5'-CAAATAACAAAGCATTATGGTTTATGTTGATTTTATTTTTCAGTGCCAGCTCCTGTTGAA[C>G]ATCAGATCTGTCCTGCTGTGTGTGTTCTAATGAAACTTTCATTTGATGAAGAGCATAGAC-3'
Protein context (NP_000029.2, residues 434-454): DKNPMPAPVE[His444Asp]QICPAVCVLM

ClinVar aggregate classification (germline): Uncertain significance (1 of 4 stars; one submission).

Conditions:
Hereditary cancer-predisposing syndrome. Also called: Neoplastic Syndromes, Hereditary; Tumor predisposition; Hereditary Cancer Syndrome; Hereditary neoplastic syndrome. Identifiers: Orphanet 140162, MedGen C0027672, MeSH D009386, MONDO:0015356.

Submission:

Ambry Genetics
Classification: Uncertain significance for Hereditary cancer-predisposing syndrome. Last evaluated: 2024-10-19. Review status: criteria provided, single submitter. Criteria: Ambry Variant Classification Scheme 2023. Collection method: clinical testing. Allele origin: germline.
Comment: The p.H444D variant (also known as c.1330C>G), located in coding exon 10 of the APC gene, results from a C to G substitution at nucleotide position 1330. The histidine at codon 444 is replaced by aspartic acid, an amino acid with similar properties. This amino acid position is conserved. In addition, in silico predictors for this gene do not accurately predict pathogenicity. Based on the available evidence, the clinical significance of this variant remains unclear.